The following is an entry in ClinVar:

ClinVar aggregate classification (germline): Uncertain significance. Review status: criteria provided, multiple submitters, no conflicts (2 of 4 stars). 2 submissions from 2 submitters: Uncertain significance (2). Last evaluated 2024-03-18.

Conditions:
Catecholaminergic polymorphic ventricular tachycardia 1. Also called: VENTRICULAR TACHYCARDIA, STRESS-INDUCED POLYMORPHIC 1; VENTRICULAR TACHYCARDIA, CATECHOLAMINERGIC POLYMORPHIC, 1, WITH OR WITHOUT ATRIAL DYSFUNCTION AND/OR DILATED CARDIOMYOPATHY; RYR2-Related Catecholaminergic Polymorphic Ventricular Tachycardia. Identifiers: Orphanet 3286, MedGen C1631597, MONDO:0011484, OMIM 604772.

Allele frequency attached by ClinVar (database versions not stated): gnomAD exomes below 0.00001.
gnomAD v4.1: 2 of 1,610,540 alleles (0.00012%); no homozygotes.

Submissions (2):

Blueprint Genetics
Classification: Uncertain significance. Last evaluated: 2024-03-18. Review status: criteria provided, single submitter. Criteria: ACMG Guidelines, 2015. Collection method: clinical testing. Allele origin: germline.

Labcorp Genetics (formerly Invitae), Labcorp
Classification: Uncertain significance for Catecholaminergic polymorphic ventricular tachycardia 1. Last evaluated: 2022-11-23. Review status: criteria provided, single submitter. Criteria: Invitae Variant Classification Sherloc (09022015). Collection method: clinical testing. Allele origin: germline.
Comment: This variant is not present in population databases (gnomAD no frequency). This variant has not been reported in the literature in individuals affected with RYR2-related conditions. Advanced modeling of protein sequence and biophysical properties (such as structural, functional, and spatial information, amino acid conservation, physicochemical variation, residue mobility, and thermodynamic stability) performed at Invitae indicates that this missense variant is not expected to disrupt RYR2 protein function. In summary, the available evidence is currently insufficient to determine the role of this variant in disease. Therefore, it has been classified as a Variant of Uncertain Significance. This sequence change replaces valine, which is neutral and non-polar, with leucine, which is neutral and non-polar, at codon 3950 of the RYR2 protein (p.Val3950Leu).

NM_001035.3(RYR2):c.11848G>C (p.Val3950Leu)

Gene: RYR2 (ryanodine receptor 2; plus strand). Cytogenetic location: 1q43.
Variant type: single nucleotide variant.
Coding change: c.11848G>C on transcript NM_001035.3 (MANE Select); coding-DNA position 11848, G replaced by C.
Protein change: p.Val3950Leu; replaces valine 3950 with leucine.
Molecular consequence: missense variant.
Genome position (GRCh38, 1-based): chr1:237,778,738, G>C. VCF-style: chr1-237778738-G-C. GRCh37 (hg19) VCF-style: chr1-237942038-G-C.
Other names: short protein forms V3950L.
Identifiers: ClinVar variation 2815567 (VCV002815567.4), dbSNP rs2527698628, ClinGen allele CA345409398.